The following is an entry in ClinVar:

ClinVar aggregate classification (germline): Uncertain significance (1 of 4 stars; one submission).

Allele frequency attached by ClinVar (database versions not stated): ExAC 0.00005; gnomAD 0.00012; 1000 Genomes Project 0.00040; 1000 Genomes Project 30x 0.00047; gnomAD exomes 0.00001; TOPMed 0.00028.

Submission:

Labcorp Genetics (formerly Invitae), Labcorp
Classification: Uncertain significance. Last evaluated: 2022-10-13. Review status: criteria provided, single submitter. Criteria: Invitae Variant Classification Sherloc (09022015). Collection method: clinical testing. Allele origin: germline.
Comment: This sequence change replaces lysine, which is basic and polar, with threonine, which is neutral and polar, at codon 94 of the XYLT2 protein (p.Lys94Thr). This variant is present in population databases (rs558268220, gnomAD 0.004%). This variant has not been reported in the literature in individuals affected with XYLT2-related conditions. Algorithms developed to predict the effect of missense changes on protein structure and function are either unavailable or do not agree on the potential impact of this missense change (SIFT: "Tolerated"; PolyPhen-2: "Possibly Damaging"; Align-GVGD: "Class C0"). In summary, the available evidence is currently insufficient to determine the role of this variant in disease. Therefore, it has been classified as a Variant of Uncertain Significance.

NM_022167.4(XYLT2):c.281A>C (p.Lys94Thr)

Gene: XYLT2 (xylosyltransferase 2; plus strand). Cytogenetic location: 17q21.33.
Variant type: single nucleotide variant.
Coding change: c.281A>C on transcript NM_022167.4 (MANE Select); coding-DNA position 281, A replaced by C.
Protein change: p.Lys94Thr; replaces lysine 94 with threonine.
Molecular consequence: missense variant.
Genome position (GRCh38, 1-based): chr17:50,353,775, A>C. VCF-style: chr17-50353775-A-C. GRCh37 (hg19) VCF-style: chr17-48431136-A-C.
Other names: short protein forms K94T.
Identifiers: ClinVar variation 2066203 (VCV002066203.1), dbSNP rs558268220, ClinGen allele CA8646124.